The following is an entry in ClinVar:

ClinVar aggregate classification (germline): Likely benign (1 of 4 stars; one submission).

Submission:

GeneDx
Classification: Likely benign. Last evaluated: 2018-02-26. Review status: criteria provided, single submitter. Criteria: GeneDx Variant Classification (06012015). Collection method: clinical testing. Allele origin: germline. Affected: yes.
Comment: This variant is considered likely benign or benign based on one or more of the following criteria: it is a conservative change, it occurs at a poorly conserved position in the protein, it is predicted to be benign by multiple in silico algorithms, and/or has population frequency not consistent with disease.

NM_002471.4(MYH6):c.5271C>T (p.Ala1757=)

Gene: MYH6 (myosin heavy chain 6; minus strand). Cytogenetic location: 14q11.2.
Variant type: single nucleotide variant.
Coding change: c.5271C>T on transcript NM_002471.4 (MANE Select); coding-DNA position 5271, C replaced by T.
Protein change: p.Ala1757=; no amino-acid change (alanine 1757 retained).
Molecular consequence: synonymous variant.
Genome position (GRCh38, 1-based): chr14:23,384,934, G>A on the plus strand (C>T on the coding strand, the complement: MYH6 is on the minus strand). VCF-style: chr14-23384934-G-A. GRCh37 (hg19) VCF-style: chr14-23854143-G-A.
Identifiers: ClinVar variation 515658 (VCV000515658.1), dbSNP rs1239601327, ClinGen allele CA485605929.